The following is an entry in ClinVar:

ClinVar aggregate classification (germline): Uncertain significance. Review status: criteria provided, single submitter (1 of 4 stars). 2 submissions from 2 submitters: Uncertain significance (1). 1 of the submissions does not count toward it. Last evaluated 2023-06-06.

Conditions:
NRP1-related disorder. Also called: NRP1-related condition.

Allele frequency attached by ClinVar (database versions not stated): TOPMed below 0.00001; gnomAD exomes 0.00001.
gnomAD v4.1: 6 of 1,601,622 alleles (0.00037%); highest among the groups gnomAD compares: Admixed American, 0.01%; no homozygotes.

Submissions (2):

Ambry Genetics
Classification: Uncertain significance. Last evaluated: 2023-06-06. Review status: criteria provided, single submitter. Criteria: Ambry Variant Classification Scheme 2023. Collection method: clinical testing. Allele origin: germline.

PreventionGenetics, part of Exact Sciences
Classification: Uncertain significance for NRP1-related condition. Last evaluated: 2024-01-31. Review status: no assertion criteria provided. Collection method: clinical testing. Allele origin: germline. Not counted in ClinVar's aggregate classification.
Comment: The NRP1 c.2502A>T variant is predicted to result in the amino acid substitution p.Glu834Asp. To our knowledge, this variant has not been reported in the literature. This variant is reported in 0.012% of alleles in individuals of Latino descent in gnomAD. At this time, the clinical significance of this variant is uncertain due to the absence of conclusive functional and genetic evidence.

NM_003873.7(NRP1):c.2502A>T (p.Glu834Asp)

Gene: NRP1 (neuropilin 1; minus strand). Cytogenetic location: 10p11.22.
Variant type: single nucleotide variant.
Coding change: c.2502A>T on transcript NM_003873.7 (MANE Select); coding-DNA position 2502, A replaced by T.
Protein change: p.Glu834Asp; replaces glutamic acid 834 with aspartic acid.
Molecular consequence: missense variant. On other transcripts: non-coding transcript variant (1).
Genome position (GRCh38, 1-based): chr10:33,180,346, T>A on the plus strand (A>T on the coding strand, the complement: NRP1 is on the minus strand). VCF-style: chr10-33180346-T-A. GRCh37 (hg19) VCF-style: chr10-33469274-T-A.
Other names: c.2484A>T, p.Glu828Asp (NM_001244972.2); c.2481A>T, p.Glu827Asp (NM_001244973.2); c.2451A>T, p.Glu817Asp (NM_001330068.2); short protein forms E827D, E834D, E817D, E828D.
Identifiers: ClinVar variation 2557275 (VCV002557275.3), dbSNP rs936099600, ClinGen allele CA205460857.